The following is an entry in ClinVar:

NM_007294.4(BRCA1):c.2723A>G (p.Glu908Gly)

Gene: BRCA1 (BRCA1 DNA repair associated; minus strand). Cytogenetic location: 17q21.31.
Variant type: single nucleotide variant.
Coding change: c.2723A>G on transcript NM_007294.4 (MANE Select); coding-DNA position 2723, A replaced by G.
Protein change: p.Glu908Gly; replaces glutamic acid 908 with glycine.
Molecular consequence: missense variant. On other transcripts: intron variant (137).
Genome position (GRCh38, 1-based): chr17:43,092,808, T>C on the plus strand (A>G on the coding strand, the complement: BRCA1 is on the minus strand). VCF-style: chr17-43092808-T-C. GRCh37 (hg19) VCF-style: chr17-41244825-T-C.
Other names: c.2723A>G, p.Glu908Gly (NM_001407859.1, NM_007300.4, NM_001407581.1 and 30 more transcripts); c.2720A>G, p.Glu907Gly (NM_001407860.1, NM_001407861.1, NM_001407587.1 and 22 more transcripts); c.2522A>G, p.Glu841Gly (NM_001407862.1); c.2600A>G, p.Glu867Gly (NM_001407863.1, NM_001407919.1, NM_001407937.1 and 19 more transcripts); c.2519A>G, p.Glu840Gly (NM_001407874.1, NM_001407875.1); c.2513A>G, p.Glu838Gly (NM_001407879.1, NM_001407881.1, NM_001407882.1 and 13 more transcripts); c.2510A>G, p.Glu837Gly (NM_001407894.1, NM_001407895.1, NM_001407896.1 and 9 more transcripts); c.2459A>G, p.Glu820Gly (NM_001407920.1, NM_001407921.1, NM_001407922.1 and 9 more transcripts); and 41 more; short protein forms E908G, E861G, E740G, E781G, E796G, E881G, E907G, E780G.
Identifiers: ClinVar variation 421195 (VCV000421195.15), dbSNP rs1064794969, ClinGen allele CA10596547.
Genomic context (GRCh38, chr17:43,092,808, plus strand): 5'-CCTGCAGTGATATTAACTGTCTGTACAGGCTTGATATTAGACTCATTCTTTCCTTGATTT[T>C]CTTCCTTTTGTTCACATTCAAAAGTGACTTTTGGACTTTGTTTCTTTAAGGACCCAGAGT-3'
Protein context (NP_009225.1, residues 898-918): KVTFECEQKE[Glu908Gly]NQGKNESNIK

ClinVar aggregate classification (germline): Conflicting classifications of pathogenicity. Review status: criteria provided, conflicting classifications (1 of 4 stars). 3 submissions from 3 submitters: Uncertain significance (2); Likely benign (1). Last evaluated 2023-03-23.

Conditions:
Hereditary cancer-predisposing syndrome. Also called: Hereditary neoplastic syndrome; Tumor predisposition; Neoplastic Syndromes, Hereditary; Hereditary Cancer Syndrome. Identifiers: Orphanet 140162, MedGen C0027672, MeSH D009386, MONDO:0015356.
Hereditary breast ovarian cancer syndrome. Also called: Hereditary breast and ovarian cancer; Hereditary breast and/or ovarian cancer syndrome; Hereditary breast and ovarian cancer syndrome; Hereditary breast and ovarian cancer syndrome (HBOC); Breast and ovarian cancer; BRCA1- and BRCA2-Associated Hereditary Breast and Ovarian Cancer. Identifiers: Orphanet 145, MedGen C0677776, MeSH D061325, MONDO:0003582. Disease mechanism: loss of function.

Submissions (3):

University of Washington Department of Laboratory Medicine, University of Washington
Classification: Likely benign for Hereditary cancer-predisposing syndrome. Last evaluated: 2023-03-23. Review status: criteria provided, single submitter. Criteria: Dines et al. (Genet Med. 2020). Collection method: curation. Allele origin: germline.
Comment: Missense variant in a coldspot region where missense variants are very unlikely to be pathogenic (PMID:31911673).

BRCA1 coldspot (exon 11 using historical exon numbering). Reclassification based on statistical prior probability

Labcorp Genetics (formerly Invitae), Labcorp
Classification: Uncertain significance for Hereditary breast ovarian cancer syndrome. Last evaluated: 2019-01-28. Review status: criteria provided, single submitter. Criteria: Invitae Variant Classification Sherloc (09022015). Collection method: clinical testing. Allele origin: germline.
Comment: This variant has not been reported in the literature in individuals with BRCA1-related conditions. ClinVar contains an entry for this variant (Variation ID: 421195). This variant is not present in population databases (ExAC no frequency). This sequence change replaces glutamic acid with glycine at codon 908 of the BRCA1 protein (p.Glu908Gly). The glutamic acid residue is weakly conserved and there is a moderate physicochemical difference between glutamic acid and glycine. Algorithms developed to predict the effect of missense changes on protein structure and function (SIFT, PolyPhen-2, Align-GVGD) all suggest that this variant is likely to be tolerated, but these predictions have not been confirmed by published functional studies and their clinical significance is uncertain. In summary, the available evidence is currently insufficient to determine the role of this variant in disease. Therefore, it has been classified as a Variant of Uncertain Significance.

GeneDx
Classification: Uncertain significance. Last evaluated: 2016-05-13. Review status: criteria provided, single submitter. Criteria: GeneDx Variant Classification (06012015). Collection method: clinical testing. Allele origin: germline. Affected: yes.
Comment: This variant is denoted BRCA1 c.2723A>G at the cDNA level, p.Glu908Gly (E908G) at the protein level, and results in the change of a Glutamic Acid to a Glycine (GAA>GGA). Using alternate nomenclature, this variant would be defined as BRCA1 2842A>G. This variant has not, to our knowledge, been published in the literature as pathogenic or benign. BRCA1 Glu908Gly was not observed in approximately 6,500 individuals of European and African American ancestry in the NHLBI Exome Sequencing Project, suggesting it is not a common benign variant in these populations. Since Glutamic Acid and Glycine differ in polarity, charge, size or other properties, this is considered a non-conservative amino acid substitution. BRCA1 Glu908Gly occurs at a position that is not conserved and is located within the DNA binding domain and the region of interaction with RAD51 (Chen 1998, Narod 2004). In silico analyses predict that this variant is unlikely to alter protein structure or function. Based on currently available evidence, it is unclear whether BRCA1 Glu908Gly is a pathogenic or benign variant. We consider it to be a variant of uncertain significance.